The following is an entry in ClinVar:

NM_002485.5(NBN):c.2234+6G>C

Gene: NBN (nibrin; minus strand). Cytogenetic location: 8q21.3.
Variant type: single nucleotide variant.
Coding change: c.2234+6G>C on transcript NM_002485.5 (MANE Select); 6 bases into the intron after coding-DNA position 2234, G replaced by C.
Molecular consequence: intron variant.
Genome position (GRCh38, 1-based): chr8:89,937,020, C>G on the plus strand (G>C on the coding strand, the complement: NBN is on the minus strand). VCF-style: chr8-89937020-C-G. GRCh37 (hg19) VCF-style: chr8-90949248-C-G.
Other names: c.1988+6G>C (NM_001024688.3).
Identifiers: ClinVar variation 2759778 (VCV002759778.3), dbSNP rs773985315, ClinGen allele CA2697550002.
Genomic context (GRCh38, chr8:89,937,020, plus strand): 5'-TATGAACAGAACTAAATTTTATATACATCTCTCAAAGGTACATGAGAAAGGTGAATCAAA[C>G]TTTACCTAAAAAGATCATCAGCAAGAGACTCTTCTTTTGCATGTTGATTTTGTACCTGTC-3'

ClinVar aggregate classification (germline): Uncertain significance (1 of 4 stars; one submission).

Conditions:
Microcephaly, normal intelligence and immunodeficiency (NBS). Also called: IMMUNODEFICIENCY, MICROCEPHALY, AND CHROMOSOMAL INSTABILITY; SEEMANOVA SYNDROME II; Immunodeficiency, microcephaly with normal intelligence; Nijmegen breakage syndrome; Microcephaly with normal intelligence immunodeficiency and lymphoreticular malignancies; Nonsyndromal microcephaly autosomal recessive with normal intelligence. Identifiers: Orphanet 647, MedGen C0398791, MONDO:0009623, OMIM 251260.

Submission:

Labcorp Genetics (formerly Invitae), Labcorp
Classification: Uncertain significance for Microcephaly, normal intelligence and immunodeficiency. Last evaluated: 2023-09-10. Review status: criteria provided, single submitter. Criteria: Invitae Variant Classification Sherloc (09022015). Collection method: clinical testing. Allele origin: germline.
Comment: This variant is not present in population databases (gnomAD no frequency). This sequence change falls in intron 15 of the NBN gene. It does not directly change the encoded amino acid sequence of the NBN protein. It affects a nucleotide within the consensus splice site. In summary, the available evidence is currently insufficient to determine the role of this variant in disease. Therefore, it has been classified as a Variant of Uncertain Significance. Variants that disrupt the consensus splice site are a relatively common cause of aberrant splicing (PMID: 17576681, 9536098). Algorithms developed to predict the effect of sequence changes on RNA splicing suggest that this variant is not likely to affect RNA splicing. This variant has not been reported in the literature in individuals affected with NBN-related conditions.

Literature cited by the submitters: PubMed 17576681; PubMed 9536098.